The following is an entry in ClinVar:

ClinVar aggregate classification (germline): Likely benign (1 of 4 stars; one submission).

Allele frequency attached by ClinVar (database versions not stated): gnomAD exomes 0.00009; ExAC 0.00016; ESP Exome Variant Server 0.00023; TOPMed 0.00024; gnomAD 0.00025.
gnomAD v4.1: 173 of 1,613,330 alleles (0.011%); highest among the groups gnomAD compares: Middle Eastern, 0.12%; no homozygotes.

Submission:

CeGaT Center for Human Genetics Tuebingen
Classification: Likely benign. Last evaluated: 2022-04-01. Review status: criteria provided, single submitter. Criteria: CeGaT Center For Human Genetics Tuebingen Variant Classification Criteria Version 2. Collection method: clinical testing. Allele origin: germline. Affected: yes. Observed: 1 variant allele.
Comment: CTBP2: BP4, BP7

NM_001329.4(CTBP2):c.492C>T (p.Ser164=)

Gene: CTBP2 (C-terminal binding protein 2; minus strand). Cytogenetic location: 10q26.13.
Variant type: single nucleotide variant.
Coding change: c.492C>T on transcript NM_001329.4 (MANE Select); coding-DNA position 492, C replaced by T.
Protein change: p.Ser164=; no amino-acid change (serine 164 retained).
Molecular consequence: synonymous variant.
Genome position (GRCh38, 1-based): chr10:124,998,037, G>A on the plus strand (C>T on the coding strand, the complement: CTBP2 is on the minus strand). VCF-style: chr10-124998037-G-A. GRCh37 (hg19) VCF-style: chr10-126686606-G-A.
Other names: c.492C>T, p.Ser164= (NM_001083914.3, NM_001290214.3, NM_001290215.3 and 3 more transcripts); c.696C>T, p.Ser232= (NM_001363508.2); c.2112C>T, p.Ser704= (NM_022802.3).
Identifiers: ClinVar variation 2640952 (VCV002640952.24), dbSNP rs372293905, ClinGen allele CA5735878.